The following is an entry in ClinVar:

NM_153704.6(TMEM67):c.2561dup (p.Asn854fs)

Gene: TMEM67 (transmembrane protein 67; plus strand). Cytogenetic location: 8q22.1.
Variant type: Duplication.
Coding change: c.2561dup on transcript NM_153704.6 (MANE Select); coding-DNA position 2561, one base duplicated (A; older notation c.2561dupA).
Protein change: p.Asn854fs; shifts the reading frame from asparagine 854.
Molecular consequence: frameshift variant. On other transcripts: non-coding transcript variant (1).
Genome position (GRCh38, 1-based): chr8:93,809,061, A duplicated; the last of 5 consecutive A bases (chr8:93,809,057-93,809,061); duplicating any one gives the same sequence. VCF-style (leftmost placement, unchanged base first): chr8-93809056-G-GA. GRCh37 (hg19) VCF-style: chr8-94821284-G-GA.
Other names: c.2561dupA (NM_153704.5); c.2318dup, p.Asn773fs (NM_001142301.1); short protein forms N773fs, N854fs.
Identifiers: ClinVar variation 56778 (VCV000056778.2), dbSNP rs386834197, ClinGen allele CA144481.

ClinVar aggregate classification (germline): Likely pathogenic (0 of 4 stars; one submission).

Conditions:
Meckel syndrome, type 3 (MKS3). Also called: MECKEL-GRUBER SYNDROME, TYPE 3. Identifiers: Orphanet 564, MedGen C1846357, MONDO:0011821, OMIM 607361.

Submission:

Juha Muilu Group; Institute for Molecular Medicine Finland (FIMM)
Classification: Likely pathogenic for Meckel syndrome type 3. Review status: no assertion criteria provided. Collection method: not provided. Allele origin: unknown.
Comment: FinDis database variant: This variant was not found or characterized by our laboratory, data were collected from public sources: see reference
ClinVar note: Converted during submission from probable-pathogenic to Likely pathogenic.